The following is an entry in ClinVar:

ClinVar aggregate classification (germline): Uncertain significance (1 of 4 stars; one submission).

Submission:

GeneDx
Classification: Uncertain significance. Last evaluated: 2024-09-28. Review status: criteria provided, single submitter. Criteria: GeneDx Variant Classification Process June 2021. Collection method: clinical testing. Allele origin: germline. Affected: yes.
Comment: Not observed at significant frequency in large population cohorts (gnomAD); In-frame deletion of 3 amino acid(s) in a non-repeat region; In silico analysis indicates that this variant does not alter protein structure/function; Has not been previously published as pathogenic or benign to our knowledge

NM_001256627.2(BRSK2):c.1044_1052del (p.Glu348_Glu350del)

Gene: BRSK2 (BR serine/threonine kinase 2; plus strand). Cytogenetic location: 11p15.5.
Variant type: Deletion.
Coding change: c.1044_1052del on transcript NM_001256627.2 (MANE Select); coding-DNA positions 1044 to 1052, 9 bases deleted (GGATGAGGA; older notation c.1044_1052delGGATGAGGA).
Protein change: p.Glu348_Glu350del.
Molecular consequence: non-coding transcript variant (on NR_046331.2).
Genome position (GRCh38, 1-based): chr11:1,445,637-1,445,645, GGATGAGGA deleted; deleting any 9 consecutive bases within chr11:1,445,633-1,445,645 gives the same sequence; the c. name uses the placement nearest the transcript's 3' end. VCF-style (leftmost placement, unchanged base first): chr11-1445632-CAGGAGGATG-C. GRCh37 (hg19) VCF-style: chr11-1466862-CAGGAGGATG-C.
Other names: c.1044_1052del, p.Glu348_Glu350del (NM_001256629.2, NM_003957.4); c.1182_1190del, p.Glu394_Glu396del (NM_001256630.1); c.864_872del, p.Glu288_Glu290del (NM_001282218.2).
Identifiers: ClinVar variation 3774752 (VCV003774752.1).